The following is an entry in ClinVar:

ClinVar aggregate classification (germline): Uncertain significance (1 of 4 stars; one submission).

Submission:

GeneDx
Classification: Uncertain significance. Last evaluated: 2022-04-08. Review status: criteria provided, single submitter. Criteria: GeneDx Variant Classification Process June 2021. Collection method: clinical testing. Allele origin: germline. Affected: yes.
Comment: Not observed at significant frequency in large population cohorts (gnomAD); In silico analysis supports that this missense variant has a deleterious effect on protein structure/function; Has not been previously published as pathogenic or benign to our knowledge; Variants in candidate genes are classified as variants of uncertain significance in accordance with ACMG guidelines (Richards et al., 2015)

NM_006885.4(ZFHX3):c.7733A>G (p.Asp2578Gly)

Genes: ZFHX3 (zinc finger homeobox 3; minus strand), ZFHX3-AS1 (ZFHX3 antisense RNA 1; plus strand). Cytogenetic location: 16q22.2.
Variant type: single nucleotide variant.
Coding change: c.7733A>G on transcript NM_006885.4 (MANE Select); coding-DNA position 7733, A replaced by G.
Protein change: p.Asp2578Gly; replaces aspartic acid 2578 with glycine.
Molecular consequence: missense variant.
Genome position (GRCh38, 1-based): chr16:72,794,949, T>C on the plus strand (A>G on the coding strand, the complement: ZFHX3 is on the minus strand). VCF-style: chr16-72794949-T-C. GRCh37 (hg19) VCF-style: chr16-72828848-T-C.
Other names: c.4991A>G, p.Asp1664Gly (NM_001164766.2); c.7733A>G, p.Asp2578Gly (NM_001386735.1); short protein forms D1664G, D2578G.
Identifiers: ClinVar variation 3342493 (VCV003342493.1).